The following is an entry in ClinVar:

NM_002755.4(MAP2K1):c.311A>G (p.Lys104Arg)

Gene: MAP2K1 (mitogen-activated protein kinase kinase 1; plus strand). Cytogenetic location: 15q22.31.
Variant type: single nucleotide variant.
Coding change: c.311A>G on transcript NM_002755.4 (MANE Select); coding-DNA position 311, A replaced by G.
Protein change: p.Lys104Arg; replaces lysine 104 with arginine.
Molecular consequence: missense variant.
Genome position (GRCh38, 1-based): chr15:66,436,765, A>G. VCF-style: chr15-66436765-A-G. GRCh37 (hg19) VCF-style: chr15-66729103-A-G.
Other names: c.245A>G, p.Lys82Arg (NM_001411065.1); short protein forms K104R, K82R.
Identifiers: ClinVar variation 4700485 (VCV004700485.1).

ClinVar aggregate classification (germline): Uncertain significance (1 of 4 stars; one submission).

Conditions:
RASopathy. Also called: Noonan spectrum disorder; rasopathies. Identifiers: Orphanet 536391, MedGen C5555857, MONDO:0021060.

gnomAD v4.1: 1 of 1,614,196 alleles (0.000062%); highest among the groups gnomAD compares: Non-Finnish European, 0.000085%; no homozygotes.

Submission:

Labcorp Genetics (formerly Invitae), Labcorp
Classification: Uncertain significance for RASopathy. Last evaluated: 2025-07-06. Review status: criteria provided, single submitter. Criteria: Invitae Variant Classification Sherloc (09022015). Collection method: clinical testing. Allele origin: germline.
Comment: This sequence change replaces lysine, which is basic and polar, with arginine, which is basic and polar, at codon 104 of the MAP2K1 protein (p.Lys104Arg). This variant is not present in population databases (gnomAD no frequency). This variant has not been reported in the literature in individuals affected with MAP2K1-related conditions. Invitae Evidence Modeling of protein sequence and biophysical properties (such as structural, functional, and spatial information, amino acid conservation, physicochemical variation, residue mobility, and thermodynamic stability) has been performed for this missense variant. However, the output from this modeling did not meet the statistical confidence thresholds required to predict the impact of this variant on MAP2K1 protein function. In summary, the available evidence is currently insufficient to determine the role of this variant in disease. Therefore, it has been classified as a Variant of Uncertain Significance.